The following is an entry in ClinVar:

NM_000218.3(KCNQ1):c.102C>A (p.Cys34Ter)

Gene: KCNQ1 (potassium voltage-gated channel subfamily Q member 1; plus strand). Cytogenetic location: 11p15.5.
Variant type: single nucleotide variant.
Coding change: c.102C>A on transcript NM_000218.3 (MANE Select); coding-DNA position 102, C replaced by A.
Protein change: p.Cys34Ter; replaces cysteine 34 with a stop codon.
Molecular consequence: nonsense. On other transcripts: 5 prime UTR variant (1).
Genome position (GRCh38, 1-based): chr11:2,445,200, C>A. VCF-style: chr11-2445200-C-A. GRCh37 (hg19) VCF-style: chr11-2466430-C-A.
Other names: c.102C>A, p.Cys34Ter (NM_001406836.1, NM_001406838.1); c.-261C>A (NM_001406837.1); short protein forms C34*.
Identifiers: ClinVar variation 2899907 (VCV002899907.4), dbSNP rs915283074, ClinGen allele CA216292555.

ClinVar aggregate classification (germline): Pathogenic/Likely pathogenic. Review status: criteria provided, multiple submitters, no conflicts (2 of 4 stars). 2 submissions from 2 submitters: Pathogenic (1); Likely pathogenic (1). Last evaluated 2023-09-13.

Conditions:
Long QT syndrome (LQTS). Identifiers: MedGen C0023976, MeSH D008133, MONDO:0002442. Disease mechanism: loss of function. Inheritance: Various modes of inheritance.
Familial long QT syndrome (RWS). Also called: Congenital long QT syndrome; Romano-Ward syndrome; VENTRICULAR FIBRILLATION WITH PROLONGED QT INTERVAL. Identifiers: Orphanet 768, MedGen C1141890, MONDO:0019171.

Allele frequency attached by ClinVar (database versions not stated): gnomAD 0.00001; TOPMed 0.00001.
gnomAD v4.1: 4 of 1,147,100 alleles (0.00035%); highest among the groups gnomAD compares: South Asian, 0.0028%; no homozygotes.

Submissions (2):

Laboratory for Molecular Medicine, Mass General Brigham Personalized Medicine
Classification: Likely pathogenic for Familial long QT syndrome. Last evaluated: 2023-09-13. Review status: criteria provided, single submitter. Criteria: ACMG Guidelines, 2015. Collection method: clinical testing. Allele origin: germline. Inheritance: Autosomal dominant inheritance.
Comment: The p.Cys34X variant in KCNQ1 has not been reported in individuals with disease but has been identified in 0.002% (1/41444) of African chromosomes by gnomAD (v.3.1.2). This nonsense variant leads to a premature termination codon at position 34, which is predicted to lead to a truncated or absent protein. Heterozygous loss of function of the KCNQ1 gene is an established disease mechanism in autosomal dominant long QT syndrome (LQTS). In summary, although additional studies are required to fully establish its clinical significance, this variant meets criteria to be classified as likely pathogenic for autosomal dominant LQTS. ACMG/AMP Criteria applied: PM2_Supporting, PVS1.

Labcorp Genetics (formerly Invitae), Labcorp
Classification: Pathogenic for Long QT syndrome. Last evaluated: 2022-12-17. Review status: criteria provided, single submitter. Criteria: Invitae Variant Classification Sherloc (09022015). Collection method: clinical testing. Allele origin: germline.
Comment: This sequence change creates a premature translational stop signal (p.Cys34*) in the KCNQ1 gene. It is expected to result in an absent or disrupted protein product. Loss-of-function variants in KCNQ1 are known to be pathogenic (PMID: 9323054, 19862833). This variant is not present in population databases (gnomAD no frequency). This premature translational stop signal has been observed in individual(s) with long QT syndrome (PMID: 34505893). For these reasons, this variant has been classified as Pathogenic.

Literature cited by the submitters: PubMed 9323054 (cited by Labcorp Genetics (formerly Invitae), Labcorp); PubMed 19862833 (cited by Labcorp Genetics (formerly Invitae), Labcorp); PubMed 34505893 (cited by Labcorp Genetics (formerly Invitae), Labcorp).